The following is an entry in ClinVar:

NM_015192.4(PLCB1):c.3423+6C>T

Gene: PLCB1 (phospholipase C beta 1; plus strand). Cytogenetic location: 20p12.3.
Variant type: single nucleotide variant.
Coding change: c.3423+6C>T on transcript NM_015192.4 (MANE Select); 6 bases into the intron after coding-DNA position 3423, C replaced by T.
Molecular consequence: intron variant.
Genome position (GRCh38, 1-based): chr20:8,790,267, C>T. VCF-style: chr20-8790267-C-T. GRCh37 (hg19) VCF-style: chr20-8770914-C-T.
Other names: c.3423+6C>T (NM_182734.3).
Identifiers: ClinVar variation 1003328 (VCV001003328.5), dbSNP rs779690813, ClinGen allele CA9760553.

ClinVar aggregate classification (germline): Uncertain significance (1 of 4 stars; one submission).

Conditions:
Developmental and epileptic encephalopathy, 12 (DEE12). Identifiers: MedGen C3150988, MONDO:0013389, OMIM 613722.

Allele frequency attached by ClinVar (database versions not stated): gnomAD exomes 0.00002 and 0.00005; TOPMed 0.00004; ExAC 0.00005; gnomAD 0.00005 and 0.00006.
gnomAD v4.1: 75 of 1,598,082 alleles (0.0047%); highest among the groups gnomAD compares: Non-Finnish European, 0.0057%; no homozygotes.

Submission:

Labcorp Genetics (formerly Invitae), Labcorp
Classification: Uncertain significance for Developmental and epileptic encephalopathy, 12. Last evaluated: 2025-01-06. Review status: criteria provided, single submitter. Criteria: Invitae Variant Classification Sherloc (09022015). Collection method: clinical testing. Allele origin: germline.
Comment: This sequence change falls in intron 31 of the PLCB1 gene. It does not directly change the encoded amino acid sequence of the PLCB1 protein. It affects a nucleotide within the consensus splice site. This variant is present in population databases (rs779690813, gnomAD 0.006%). This variant has not been reported in the literature in individuals affected with PLCB1-related conditions. ClinVar contains an entry for this variant (Variation ID: 1003328). Variants that disrupt the consensus splice site are a relatively common cause of aberrant splicing (PMID: 17576681, 9536098). Algorithms developed to predict the effect of sequence changes on RNA splicing suggest that this variant is not likely to affect RNA splicing. In summary, the available evidence is currently insufficient to determine the role of this variant in disease. Therefore, it has been classified as a Variant of Uncertain Significance.

Literature cited by the submitters: PubMed 17576681; PubMed 9536098.